The following is an entry in ClinVar:

NM_003664.5(AP3B1):c.1798G>C (p.Ala600Pro)

Gene: AP3B1 (adaptor related protein complex 3 subunit beta 1; minus strand). Cytogenetic location: 5q14.1.
Variant type: single nucleotide variant.
Coding change: c.1798G>C on transcript NM_003664.5 (MANE Select); coding-DNA position 1798, G replaced by C.
Protein change: p.Ala600Pro; replaces alanine 600 with proline.
Molecular consequence: missense variant.
Genome position (GRCh38, 1-based): chr5:78,129,160, C>G on the plus strand (G>C on the coding strand, the complement: AP3B1 is on the minus strand). VCF-style: chr5-78129160-C-G. GRCh37 (hg19) VCF-style: chr5-77424984-C-G.
Other names: c.1651G>C, p.Ala551Pro (NM_001271769.2); c.1798G>C, p.Ala600Pro (NM_001410752.1); short protein forms A600P, A551P.
Identifiers: ClinVar variation 2474936 (VCV002474936.4), dbSNP rs149263390, ClinGen allele CA3316966.

ClinVar aggregate classification (germline): Uncertain significance. Review status: criteria provided, multiple submitters, no conflicts (2 of 4 stars). 3 submissions from 3 submitters: Uncertain significance (3). Last evaluated 2025-01-07.

Conditions:
Hermansky-Pudlak syndrome 2 (HPS2). Also called: Platelet defects and oculocutaneous albinism. Identifiers: Orphanet 183678, Orphanet 79430, MedGen C1842362, MONDO:0011997, OMIM 608233.
Inborn genetic diseases. Identifiers: MedGen C0950123, MeSH D030342.

gnomAD v4.1: 10 of 1,613,066 alleles (0.00062%); highest among the groups gnomAD compares: Non-Finnish European, 0.00085%; no homozygotes.

Submissions (3):

GeneDx
Classification: Uncertain significance. Last evaluated: 2025-01-07. Review status: criteria provided, single submitter. Criteria: GeneDx Variant Classification Process June 2021. Collection method: clinical testing. Allele origin: germline. Affected: yes.
Comment: In silico analysis supports that this missense variant has a deleterious effect on protein structure/function; Has not been previously published as pathogenic or benign to our knowledge

Labcorp Genetics (formerly Invitae), Labcorp
Classification: Uncertain significance for Hermansky-Pudlak syndrome 2. Last evaluated: 2024-09-23. Review status: criteria provided, single submitter. Criteria: Invitae Variant Classification Sherloc (09022015). Collection method: clinical testing. Allele origin: germline.
Comment: This sequence change replaces alanine, which is neutral and non-polar, with proline, which is neutral and non-polar, at codon 600 of the AP3B1 protein (p.Ala600Pro). This variant is present in population databases (rs149263390, gnomAD 0.003%). This variant has not been reported in the literature in individuals affected with AP3B1-related conditions. ClinVar contains an entry for this variant (Variation ID: 2474936). An algorithm developed to predict the effect of missense changes on protein structure and function (PolyPhen-2) suggests that this variant¬†is likely to be tolerated. In summary, the available evidence is currently insufficient to determine the role of this variant in disease. Therefore, it has been classified as a Variant of Uncertain Significance.

Ambry Genetics
Classification: Uncertain significance for Inborn genetic diseases. Last evaluated: 2023-01-10. Review status: criteria provided, single submitter. Criteria: Ambry Variant Classification Scheme 2023. Collection method: clinical testing. Allele origin: germline.